The following is an entry in ClinVar:

NM_001379200.1(TBX1):c.1471G>A (p.Ala491Thr)

Gene: TBX1 (T-box transcription factor 1; plus strand). Cytogenetic location: 22q11.21.
Variant type: single nucleotide variant.
Coding change: c.1471G>A on transcript NM_001379200.1 (MANE Select); coding-DNA position 1471, G replaced by A.
Protein change: p.Ala491Thr; replaces alanine 491 with threonine.
Molecular consequence: missense variant. On other transcripts: intron variant (2).
Genome position (GRCh38, 1-based): chr22:19,766,823, G>A. VCF-style: chr22-19766823-G-A. GRCh37 (hg19) VCF-style: chr22-19754346-G-A.
Other names: c.1444G>A, p.Ala482Thr (NM_080647.1); c.1009+821G>A (NM_005992.1, NM_080646.2); short protein forms A482T, A491T.
Identifiers: ClinVar variation 5030537 (VCV005030537.1).
Genomic context (GRCh38, chr22:19,766,823, plus strand): 5'-GCCGCCGCGGCCGCCGCCGCCGCTGCCGCAGCTGCCGCGGCCGCCAACATGTACTCGTCG[G>A]CCGGAGCCGCGCCGCCCGGCTCCTACGACTATTGCCCCAGATAACACGGGCCCTGTCGCG-3'
Protein context (NP_001366129.1, residues 481-501): AAAAANMYSS[Ala491Thr]GAAPPGSYDY

ClinVar aggregate classification (germline): Uncertain significance (1 of 4 stars; one submission).

Conditions:
Cardiovascular phenotype. Identifiers: MedGen CN230736.

Submission:

Ambry Genetics
Classification: Uncertain significance for Cardiovascular phenotype. Last evaluated: 2026-09-04. Review status: criteria provided, single submitter. Criteria: Ambry Variant Classification Scheme 2023. Collection method: clinical testing. Allele origin: germline.
Comment: The p.A482T variant (also known as c.1444G>A), located in coding exon 8 of the TBX1 gene, results from a G to A substitution at nucleotide position 1444. The alanine at codon 482 is replaced by threonine, an amino acid with similar properties. This amino acid position is conserved. In addition, this alteration is predicted to be tolerated by in silico analysis. Based on the available evidence, the clinical significance of this variant remains unclear.